The following is an entry in ClinVar:

NM_001270508.2(TNFAIP3):c.757G>T (p.Asp253Tyr)

Genes: TNFAIP3 (TNF alpha induced protein 3; plus strand), LOC126859807 (MED14-independent group 3 enhancer GRCh37_chr6:138196296-138197495; plus strand). Cytogenetic location: 6q23.3.
Variant type: single nucleotide variant.
Coding change: c.757G>T on transcript NM_001270508.2 (MANE Select); coding-DNA position 757, G replaced by T.
Protein change: p.Asp253Tyr; replaces aspartic acid 253 with tyrosine.
Molecular consequence: missense variant.
Genome position (GRCh38, 1-based): chr6:137,876,118, G>T. VCF-style: chr6-137876118-G-T. GRCh37 (hg19) VCF-style: chr6-138197255-G-T.
Other names: c.757G>T, p.Asp253Tyr (NM_001270507.2, NM_006290.4); c.757G>T (NM_006290.2); short protein forms D253Y.
Identifiers: ClinVar variation 2789536 (VCV002789536.4), dbSNP rs748791817, ClinGen allele CA4019495.

ClinVar aggregate classification (germline): Uncertain significance. Review status: criteria provided, multiple submitters, no conflicts (2 of 4 stars). 2 submissions from 2 submitters: Uncertain significance (2). Last evaluated 2025-01-18.

Conditions:
Inborn genetic diseases. Identifiers: MedGen C0950123, MeSH D030342.

Allele frequency attached by ClinVar (database versions not stated): gnomAD exomes below 0.00001; ExAC 0.00001.
gnomAD v4.1: 2 of 1,614,178 alleles (0.00012%); highest among the groups gnomAD compares: Non-Finnish European, 0.00017%; no homozygotes.

Submissions (2):

Ambry Genetics
Classification: Uncertain significance for Inborn genetic diseases. Last evaluated: 2025-01-18. Review status: criteria provided, single submitter. Criteria: Ambry Variant Classification Scheme 2023. Collection method: clinical testing. Allele origin: germline.

Labcorp Genetics (formerly Invitae), Labcorp
Classification: Uncertain significance. Last evaluated: 2023-04-18. Review status: criteria provided, single submitter. Criteria: Invitae Variant Classification Sherloc (09022015). Collection method: clinical testing. Allele origin: germline.
Comment: This variant has not been reported in the literature in individuals affected with TNFAIP3-related conditions. This variant is present in population databases (rs748791817, gnomAD 0.0009%). This sequence change replaces aspartic acid, which is acidic and polar, with tyrosine, which is neutral and polar, at codon 253 of the TNFAIP3 protein (p.Asp253Tyr). Advanced modeling of protein sequence and biophysical properties (such as structural, functional, and spatial information, amino acid conservation, physicochemical variation, residue mobility, and thermodynamic stability) performed at Invitae indicates that this missense variant is not expected to disrupt TNFAIP3 protein function. In summary, the available evidence is currently insufficient to determine the role of this variant in disease. Therefore, it has been classified as a Variant of Uncertain Significance.